The following is an entry in ClinVar:

ClinVar aggregate classification (germline): Likely benign. Review status: criteria provided, multiple submitters, no conflicts (2 of 4 stars). 2 submissions from 2 submitters: Likely benign (2). Last evaluated 2025-03-03.

Conditions:
Episodic ataxia type 2 (EA2). Also called: ATAXIA, EPISODIC, WITH NYSTAGMUS; ATAXIA, FAMILIAL PAROXYSMAL; CEREBELLAR ATAXIA, PAROXYSMAL, ACETAZOLAMIDE-RESPONSIVE; CEREBELLOPATHY, HEREDITARY PAROXYSMAL; ACETAZOLAMIDE-RESPONSIVE HEREDITARY PAROXYSMAL CEREBELLAR ATAXIA; EPISODIC ATAXIA, NYSTAGMUS-ASSOCIATED. Identifiers: Orphanet 97, MedGen C1720416, MONDO:0007163, OMIM 108500.
Developmental and epileptic encephalopathy, 42 (DEE42A). Also called: DEVELOPMENTAL AND EPILEPTIC ENCEPHALOPATHY 42A; EPILEPTIC ENCEPHALOPATHY, EARLY INFANTILE, 42A; Epileptic encephalopathy, early infantile, 42. Identifiers: MedGen C4310716, MONDO:0014917, OMIM 617106.

Allele frequency attached by ClinVar (database versions not stated): TOPMed 0.00002.
gnomAD v4.1: 98 of 1,610,600 alleles (0.0061%); highest among the groups gnomAD compares: Middle Eastern, 0.016%; no homozygotes.

Submissions (2):

Labcorp Genetics (formerly Invitae), Labcorp
Classification: Likely benign for Developmental and epileptic encephalopathy, 42; Episodic ataxia type 2. Last evaluated: 2025-03-03. Review status: criteria provided, single submitter. Criteria: Invitae Variant Classification Sherloc (09022015). Collection method: clinical testing. Allele origin: germline.

GeneDx
Classification: Likely benign. Last evaluated: 2016-06-07. Review status: criteria provided, single submitter. Criteria: GeneDx Variant Classification (06012015). Collection method: clinical testing. Allele origin: germline. Affected: yes.
Comment: This variant is considered likely benign or benign based on one or more of the following criteria: it is a conservative change, it occurs at a poorly conserved position in the protein, it is predicted to be benign by multiple in silico algorithms, and/or has population frequency not consistent with disease.

NM_001127222.2(CACNA1A):c.5840-17C>T

Gene: CACNA1A (calcium voltage-gated channel subunit alpha1 A; minus strand). Cytogenetic location: 19p13.13.
Variant type: single nucleotide variant.
Coding change: c.5840-17C>T on transcript NM_001127222.2 (MANE Select); 17 bases into the intron before coding-DNA position 5840, C replaced by T.
Molecular consequence: intron variant.
Genome position (GRCh38, 1-based): chr19:13,214,350, G>A on the plus strand (C>T on the coding strand, the complement: CACNA1A is on the minus strand). VCF-style: chr19-13214350-G-A. GRCh37 (hg19) VCF-style: chr19-13325164-G-A.
Other names: c.5843-17C>T (NM_001127221.2); c.5849-17C>T (NM_001174080.2); c.5858-17C>T (NM_000068.4, NM_023035.3).
Identifiers: ClinVar variation 386808 (VCV000386808.9), dbSNP rs556502230, ClinGen allele CA9239568.